The following is an entry in ClinVar:

NM_001384474.1(LOXHD1):c.6584G>A (p.Arg2195His)

Gene: LOXHD1 (lipoxygenase homology PLAT domains 1; minus strand). Cytogenetic location: 18q21.1.
Variant type: single nucleotide variant.
Coding change: c.6584G>A on transcript NM_001384474.1 (MANE Select); coding-DNA position 6584, G replaced by A.
Protein change: p.Arg2195His; replaces arginine 2195 with histidine.
Molecular consequence: missense variant.
Genome position (GRCh38, 1-based): chr18:46,477,710, C>T on the plus strand (G>A on the coding strand, the complement: LOXHD1 is on the minus strand). VCF-style: chr18-46477710-C-T. GRCh37 (hg19) VCF-style: chr18-44057673-C-T.
Other names: c.3251G>A, p.Arg1084His (NM_001145472.3); c.1301G>A, p.Arg434His (NM_001145473.3, NM_001173129.2); c.2963G>A, p.Arg988His (NM_001308013.2); c.6398G>A, p.Arg2133His (NM_144612.7); short protein forms R2133H, R434H, R988H, R1084H, R2195H.
Identifiers: ClinVar variation 47951 (VCV000047951.23), dbSNP rs74316327, ClinGen allele CA142245.

ClinVar aggregate classification (germline): Benign. Review status: criteria provided, multiple submitters, no conflicts (2 of 4 stars). 8 submissions from 8 submitters: Benign (7). 1 of the submissions does not count toward it. Last evaluated 2026-02-04.

Conditions:
Autosomal recessive nonsyndromic hearing loss 77. Identifiers: Orphanet 90636, MedGen C2746083, MONDO:0013119, OMIM 613079.

Allele frequency attached by ClinVar (database versions not stated): 1000 Genomes Project 0.02716; 1000 Genomes Project 30x 0.02780; gnomAD 0.04629 and 0.04745; ExAC 0.04783; TOPMed 0.04883; ESP Exome Variant Server 0.06001.
gnomAD v4.1: 96,945 of 1,551,918 alleles (6.2%); highest among the groups gnomAD compares: Non-Finnish European, 7.3%; 3,482 homozygotes.

Submissions (8):

Labcorp Genetics (formerly Invitae), Labcorp
Classification: Benign. Last evaluated: 2026-02-04. Review status: criteria provided, single submitter. Criteria: Invitae Variant Classification Sherloc (09022015). Collection method: clinical testing. Allele origin: germline.

Genome-Nilou Lab
Classification: Benign for Autosomal recessive nonsyndromic hearing loss 77. Last evaluated: 2021-07-10. Review status: criteria provided, single submitter. Criteria: ACMG Guidelines, 2015. Collection method: clinical testing. Allele origin: germline. Affected: no.

GeneDx
Classification: Benign. Last evaluated: 2017-05-09. Review status: criteria provided, single submitter. Criteria: GeneDx Variant Classification (06012015). Collection method: clinical testing. Allele origin: germline. Affected: yes.
Comment: This variant is considered likely benign or benign based on one or more of the following criteria: it is a conservative change, it occurs at a poorly conserved position in the protein, it is predicted to be benign by multiple in silico algorithms, and/or has population frequency not consistent with disease.

Illumina Laboratory Services, Illumina
Classification: Benign for Autosomal recessive nonsyndromic hearing loss 77. Last evaluated: 2017-04-27. Review status: criteria provided, single submitter. Criteria: ICSL Variant Classification Criteria 13 December 2019. Collection method: clinical testing. Allele origin: germline.
Comment: This variant was observed as part of a predisposition screen in an ostensibly healthy population. A literature search was performed for the gene, cDNA change, and amino acid change (where applicable). No publications were found based on this search. Allele frequency data from public databases was too high to be consistent with this variant causing disease. Therefore, this variant is classified as benign.

Laboratory for Molecular Medicine, Mass General Brigham Personalized Medicine
Classification: Benign. Last evaluated: 2012-05-07. Review status: criteria provided, single submitter. Criteria: LMM Criteria. Collection method: clinical testing. Allele origin: germline. Observed: 178 variant alleles.
Comment: Arg2133His in Exon 40 of LOXHD1: This variant is not expected to have clinical s ignificance because it has been identified in 7.7% (196/2532) of European Americ an chromosomes from a broad population by the NHLBI Exome Sequencing Project (dbSNP rs74316327).

Breakthrough Genomics
Classification: Benign. Review status: criteria provided, single submitter. Criteria: ACMG Guidelines, 2015. Collection method: not provided. Allele origin: germline. Inheritance: Autosomal recessive inheritance. Affected: yes.

PreventionGenetics, part of Exact Sciences
Classification: Benign. Review status: criteria provided, single submitter. Criteria: ACMG Guidelines, 2015. Collection method: clinical testing. Allele origin: germline.

Natera, Inc.
Classification: Benign for Autosomal recessive deafness type 77. Last evaluated: 2020-09-16. Review status: no assertion criteria provided. Collection method: clinical testing. Allele origin: germline. Not counted in ClinVar's aggregate classification.